The following is an entry in ClinVar:

NM_001558.4(IL10RA):c.1715C>G (p.Ser572Cys)

Gene: IL10RA (interleukin 10 receptor subunit alpha; plus strand). Cytogenetic location: 11q23.3.
Variant type: single nucleotide variant.
Coding change: c.1715C>G on transcript NM_001558.4 (MANE Select); coding-DNA position 1715, C replaced by G.
Protein change: p.Ser572Cys; replaces serine 572 with cysteine.
Molecular consequence: missense variant. On other transcripts: non-coding transcript variant (1).
Genome position (GRCh38, 1-based): chr11:117,999,619, C>G. VCF-style: chr11-117999619-C-G. GRCh37 (hg19) VCF-style: chr11-117870334-C-G.
Other names: short protein forms S572C.
Identifiers: ClinVar variation 1989804 (VCV001989804.6), dbSNP rs758712635, ClinGen allele CA6299228.

ClinVar aggregate classification (germline): Uncertain significance. Review status: criteria provided, multiple submitters, no conflicts (2 of 4 stars). 2 submissions from 2 submitters: Uncertain significance (2). Last evaluated 2024-02-01.

Conditions:
Inflammatory bowel disease 28. Also called: Inflammatory bowel disease 28, early onset, autosomal recessive. Identifiers: Orphanet 238569, MedGen C2751053, MONDO:0013153, OMIM 613148.

Allele frequency attached by ClinVar (database versions not stated): gnomAD exomes 0.00001; TOPMed 0.00001; ExAC 0.00004.
gnomAD v4.1: 19 of 1,614,120 alleles (0.0012%); highest among the groups gnomAD compares: South Asian, 0.0055%; no homozygotes.

Submissions (2):

Neuberg Centre For Genomic Medicine, NCGM
Classification: Uncertain significance for Inflammatory bowel disease 28. Last evaluated: 2024-02-01. Review status: criteria provided, single submitter. Criteria: ACMG Guidelines, 2015. Collection method: clinical testing. Allele origin: germline. Inheritance: Autosomal recessive inheritance.

Labcorp Genetics (formerly Invitae), Labcorp
Classification: Uncertain significance for Inflammatory bowel disease 28. Last evaluated: 2023-12-11. Review status: criteria provided, single submitter. Criteria: Invitae Variant Classification Sherloc (09022015). Collection method: clinical testing. Allele origin: germline.
Comment: This sequence change replaces serine, which is neutral and polar, with cysteine, which is neutral and slightly polar, at codon 572 of the IL10RA protein (p.Ser572Cys). This variant is present in population databases (rs758712635, gnomAD 0.01%). This variant has not been reported in the literature in individuals affected with IL10RA-related conditions. ClinVar contains an entry for this variant (Variation ID: 1989804). Advanced modeling of protein sequence and biophysical properties (such as structural, functional, and spatial information, amino acid conservation, physicochemical variation, residue mobility, and thermodynamic stability) performed at Invitae indicates that this missense variant is expected to disrupt IL10RA protein function with a positive predictive value of 80%. In summary, the available evidence is currently insufficient to determine the role of this variant in disease. Therefore, it has been classified as a Variant of Uncertain Significance.